The following is an entry in ClinVar:

ClinVar aggregate classification (germline): Uncertain significance (1 of 4 stars; one submission).

Conditions:
Microcephaly, normal intelligence and immunodeficiency (NBS). Also called: Nijmegen breakage syndrome; Microcephaly with normal intelligence immunodeficiency and lymphoreticular malignancies; Nonsyndromal microcephaly autosomal recessive with normal intelligence; Seemanova syndrome 2; Ataxia telangiectasia variant V1; SEEMANOVA SYNDROME II. Identifiers: Orphanet 647, MedGen C0398791, MONDO:0009623, OMIM 251260.

Submission:

Labcorp Genetics (formerly Invitae), Labcorp
Classification: Uncertain significance for Microcephaly, normal intelligence and immunodeficiency. Last evaluated: 2022-08-06. Review status: criteria provided, single submitter. Criteria: Invitae Variant Classification Sherloc (09022015). Collection method: clinical testing. Allele origin: germline.
Comment: In summary, the available evidence is currently insufficient to determine the role of this variant in disease. Therefore, it has been classified as a Variant of Uncertain Significance. Algorithms developed to predict the effect of missense changes on protein structure and function are either unavailable or do not agree on the potential impact of this missense change (SIFT: "Deleterious"; PolyPhen-2: "Benign"; Align-GVGD: "Class C0"). This variant has not been reported in the literature in individuals affected with NBN-related conditions. This variant is not present in population databases (gnomAD no frequency). This sequence change replaces leucine, which is neutral and non-polar, with proline, which is neutral and non-polar, at codon 200 of the NBN protein (p.Leu200Pro).

NM_002485.5(NBN):c.599T>C (p.Leu200Pro)

Gene: NBN (nibrin; minus strand). Cytogenetic location: 8q21.3.
Variant type: single nucleotide variant.
Coding change: c.599T>C on transcript NM_002485.5 (MANE Select); coding-DNA position 599, T replaced by C.
Protein change: p.Leu200Pro; replaces leucine 200 with proline.
Molecular consequence: missense variant.
Genome position (GRCh38, 1-based): chr8:89,971,276, A>G on the plus strand (T>C on the coding strand, the complement: NBN is on the minus strand). VCF-style: chr8-89971276-A-G. GRCh37 (hg19) VCF-style: chr8-90983504-A-G.
Other names: c.353T>C, p.Leu118Pro (NM_001024688.3); short protein forms L118P, L200P.
Identifiers: ClinVar variation 1715288 (VCV001715288.5), dbSNP rs2488316409, ClinGen allele CA371659314.